The following is an entry in ClinVar:

NM_001160372.4(TRAPPC9):c.1403T>G (p.Val468Gly)

Gene: TRAPPC9 (trafficking protein particle complex subunit 9; minus strand). Cytogenetic location: 8q24.3.
Variant type: single nucleotide variant.
Coding change: c.1403T>G on transcript NM_001160372.4 (MANE Select); coding-DNA position 1403, T replaced by G.
Protein change: p.Val468Gly; replaces valine 468 with glycine.
Molecular consequence: missense variant. On other transcripts: non-coding transcript variant (1), intron variant (1).
Genome position (GRCh38, 1-based): chr8:140,360,142, A>C on the plus strand (T>G on the coding strand, the complement: TRAPPC9 is on the minus strand). VCF-style: chr8-140360142-A-C. GRCh37 (hg19) VCF-style: chr8-141370241-A-C.
Other names: c.1376T>G, p.Val459Gly (NM_001321646.2); c.1424T>G, p.Val475Gly (NM_001374682.1); c.1403T>G, p.Val468Gly (NM_001374683.1, NM_031466.8); c.1351+10822T>G (NM_001374684.1); short protein forms V459G, V468G, V475G.
Identifiers: ClinVar variation 2662619 (VCV002662619.2), dbSNP rs369065494, ClinGen allele CA4893459.

ClinVar aggregate classification (germline): Uncertain significance. Review status: criteria provided, multiple submitters, no conflicts (2 of 4 stars). 2 submissions from 2 submitters: Uncertain significance (2). Last evaluated 2024-12-06.

Conditions:
Inborn genetic diseases. Identifiers: MedGen C0950123, MeSH D030342.

Allele frequency attached by ClinVar (database versions not stated): gnomAD exomes 0.00001; ExAC 0.00002; gnomAD 0.00004; TOPMed 0.00006; ESP Exome Variant Server 0.00008.
gnomAD v4.1: 11 of 1,614,102 alleles (0.00068%); highest among the groups gnomAD compares: African/African-American, 0.013%; no homozygotes.

Submissions (2):

Ambry Genetics
Classification: Uncertain significance for Inborn genetic diseases. Last evaluated: 2024-12-06. Review status: criteria provided, single submitter. Criteria: Ambry Variant Classification Scheme 2023. Collection method: clinical testing. Allele origin: germline.

GeneDx
Classification: Uncertain significance. Last evaluated: 2023-05-18. Review status: criteria provided, single submitter. Criteria: GeneDx Variant Classification Process June 2021. Collection method: clinical testing. Allele origin: germline. Affected: yes.
Comment: In silico analysis supports that this missense variant has a deleterious effect on protein structure/function; Has not been previously published as pathogenic or benign to our knowledge